The following is an entry in ClinVar:

ClinVar aggregate classification (germline): Likely benign. Review status: criteria provided, multiple submitters, no conflicts (2 of 4 stars). 3 submissions from 3 submitters: Likely benign (2). 1 of the submissions does not count toward it. Last evaluated 2025-12-14.

Conditions:
Tuberous sclerosis 2 (TSC2). Identifiers: Orphanet 805, MedGen C1860707, MONDO:0013199, OMIM 613254.
Tuberous sclerosis syndrome (TSC). Also called: Tuberous Sclerosis Complex; Tuberous sclerosis. Identifiers: Orphanet 805, MedGen C0041341, MONDO:0001734.

Allele frequency attached by ClinVar (database versions not stated): gnomAD exomes below 0.00001; TOPMed below 0.00001.
gnomAD v4.1: 3 of 1,613,066 alleles (0.00019%); highest among the groups gnomAD compares: African/African-American, 0.0027%; no homozygotes.

Submissions (3):

Labcorp Genetics (formerly Invitae), Labcorp
Classification: Likely benign for Tuberous sclerosis 2. Last evaluated: 2025-12-14. Review status: criteria provided, single submitter. Criteria: Invitae Variant Classification Sherloc (09022015). Collection method: clinical testing. Allele origin: germline.

Myriad Genetics, Inc.
Classification: Likely benign for Tuberous sclerosis 2. Last evaluated: 2025-06-06. Review status: criteria provided, single submitter. Criteria: Myriad Autosomal Dominant, Autosomal Recessive and X-Linked Classification Criteria (2023). Collection method: clinical testing. Allele origin: unknown.
Comment: This variant is considered likely benign. This variant is intronic and is not expected to impact mRNA splicing.

Tuberous sclerosis database (TSC2)
No classification provided. Condition: TSC. Review status: no classification provided. Criteria: Tuberous Sclerosis Database Assertion Criteria 2015. Collection method: curation. Allele origin: germline. Affected: yes. Not counted in ClinVar's aggregate classification.

NM_000548.5(TSC2):c.5161-15T>C

Gene: TSC2 (TSC complex subunit 2; plus strand). Cytogenetic location: 16p13.3.
Variant type: single nucleotide variant.
Coding change: c.5161-15T>C on transcript NM_000548.5 (MANE Select); 15 bases into the intron before coding-DNA position 5161, T replaced by C.
Molecular consequence: intron variant.
Genome position (GRCh38, 1-based): chr16:2,088,212, T>C. VCF-style: chr16-2088212-T-C. GRCh37 (hg19) VCF-style: chr16-2138213-T-C.
Other names: c.5092-15T>C (NM_001114382.3); c.5032-15T>C (NM_021055.3); c.5032-27T>C (NM_001370405.1); c.4963-15T>C (NM_001363528.2); c.5029-15T>C (NM_001370404.1); c.4960-15T>C (NM_001077183.3); c.4852-15T>C (NM_001318827.2); c.4429-15T>C (NM_001318831.2); and 2 more.
Identifiers: ClinVar variation 65370 (VCV000065370.10), dbSNP rs397515279, ClinGen allele CA022003.